The following is an entry in ClinVar:

NM_004370.6(COL12A1):c.223A>G (p.Ser75Gly)

Gene: COL12A1 (collagen type XII alpha 1 chain; minus strand). Cytogenetic location: 6q13.
Variant type: single nucleotide variant.
Coding change: c.223A>G on transcript NM_004370.6 (MANE Select); coding-DNA position 223, A replaced by G.
Protein change: p.Ser75Gly; replaces serine 75 with glycine.
Molecular consequence: missense variant. On other transcripts: intron variant (2).
Genome position (GRCh38, 1-based): chr6:75,192,323, T>C on the plus strand (A>G on the coding strand, the complement: COL12A1 is on the minus strand). VCF-style: chr6-75192323-T-C. GRCh37 (hg19) VCF-style: chr6-75902039-T-C.
Other names: c.223A>G, p.Ser75Gly (NM_001424113.1, NM_001424114.1, NM_001424115.1); c.73+10397A>G (NM_001424116.1, NM_080645.3); short protein forms S75G.
Identifiers: ClinVar variation 2634716 (VCV002634716.3), dbSNP rs1769974714, ClinGen allele CA364731163.

ClinVar aggregate classification (germline): Uncertain significance. Review status: criteria provided, multiple submitters, no conflicts (2 of 4 stars). 2 submissions from 2 submitters: Uncertain significance (2). Last evaluated 2026-02-02.

Conditions:
COL12A1-related disorder. Also called: COL12A1-related condition.
Ullrich congenital muscular dystrophy 2 (UCMD2). Identifiers: Orphanet 75840, MedGen C4225314, MONDO:0014654, OMIM 616470.
Bethlem myopathy 2 (BTHLM2). Identifiers: Orphanet 536516, Orphanet 610, MedGen C4225313, MONDO:0034022, OMIM 616471.

Allele frequency attached by ClinVar (database versions not stated): gnomAD exomes below 0.00001; TOPMed below 0.00001.
gnomAD v4.1: 1 of 1,611,672 alleles (0.000062%); highest among the groups gnomAD compares: Non-Finnish European, 0.000085%; no homozygotes.

Submissions (2):

Labcorp Genetics (formerly Invitae), Labcorp
Classification: Uncertain significance for Bethlem myopathy 2; Ullrich congenital muscular dystrophy 2. Last evaluated: 2026-02-02. Review status: criteria provided, single submitter. Criteria: Invitae Variant Classification Sherloc (09022015). Collection method: clinical testing. Allele origin: germline.
Comment: This sequence change replaces serine, which is neutral and polar, with glycine, which is neutral and non-polar, at codon 75 of the COL12A1 protein (p.Ser75Gly). This variant is not present in population databases (gnomAD no frequency). This variant has not been reported in the literature in individuals affected with COL12A1-related conditions. ClinVar contains an entry for this variant (Variation ID: 2634716). Invitae Evidence Modeling of protein sequence and biophysical properties (such as structural, functional, and spatial information, amino acid conservation, physicochemical variation, residue mobility, and thermodynamic stability) indicates that this missense variant is not expected to disrupt COL12A1 protein function with a negative predictive value of 80%. In summary, the available evidence is currently insufficient to determine the role of this variant in disease. Therefore, it has been classified as a Variant of Uncertain Significance.

PreventionGenetics, part of Exact Sciences
Classification: Uncertain significance for COL12A1-related condition. Last evaluated: 2023-08-01. Review status: criteria provided, single submitter. Criteria: ACMG Guidelines, 2015. Collection method: clinical testing. Allele origin: germline.
Comment: The COL12A1 c.223A>G variant is predicted to result in the amino acid substitution p.Ser75Gly. To our knowledge, this variant has not been reported in the literature or in a large population database, indicating this variant is rare. At this time, the clinical significance of this variant is uncertain due to the absence of conclusive functional and genetic evidence.